The following is an entry in ClinVar:

NM_000540.3(RYR1):c.12700G>A (p.Val4234Met)

Gene: RYR1 (ryanodine receptor 1; plus strand). Cytogenetic location: 19q13.2.
Variant type: single nucleotide variant.
Coding change: c.12700G>A on transcript NM_000540.3 (MANE Select); coding-DNA position 12700, G replaced by A.
Protein change: p.Val4234Met; replaces valine 4234 with methionine.
Molecular consequence: missense variant.
Genome position (GRCh38, 1-based): chr19:38,565,034, G>A. VCF-style: chr19-38565034-G-A. GRCh37 (hg19) VCF-style: chr19-39055674-G-A.
Other names: c.12685G>A, p.Val4229Met (NM_001042723.2); short protein forms V4229M, V4234M.
Identifiers: ClinVar variation 2634840 (VCV002634840.4), dbSNP rs193922852, ClinGen allele CA308109054.
Genomic context (GRCh38, chr19:38,565,034, plus strand): 5'-CGCCAGTTCATCTTCGACGTGGTGAACGAGGGCGGCGAGGCTGAGAAGATGGAGCTCTTC[G>A]TGAGTTTCTGCGAGGACACCATCTTCGAGATGCAGATCGCCGCGCAGATCTCGGAGCCCG-3'
Protein context (NP_000531.2, residues 4224-4244): GGEAEKMELF[Val4234Met]SFCEDTIFEM

ClinVar aggregate classification (germline): Conflicting classifications of pathogenicity. Review status: criteria provided, conflicting classifications (1 of 4 stars). 3 submissions from 3 submitters: Likely pathogenic (1); Uncertain significance (2). Last evaluated 2024-11-22.

Conditions:
Malignant hyperthermia, susceptibility to, 1 (MHS1). Also called: Malignant hyperthermia suceptibility 1; Anesthesia related hyperthermia; Malignant hyperpyrexia; Fulminating hyperpyrexia; Pharmacogenic myopathy; RYR1-Related Malignant Hyperthermia Susceptibility. Identifiers: Orphanet 423, MedGen C2930980, MONDO:0007783, OMIM 145600.
RYR1-related disorder. Also called: RYR1-related disorders; RYR1-related condition. Identifiers: MedGen CN239331.

Allele frequency attached by ClinVar (database versions not stated): gnomAD exomes below 0.00001; gnomAD 0.00001; TOPMed 0.00002.
gnomAD v4.1: 3 of 1,583,072 alleles (0.00019%); highest among the groups gnomAD compares: African/African-American, 0.004%; no homozygotes.

Submissions (3):

PreventionGenetics, part of Exact Sciences
Classification: Uncertain significance for RYR1-related condition. Last evaluated: 2024-11-22. Review status: criteria provided, single submitter. Criteria: ACMG Guidelines, 2015. Collection method: clinical testing. Allele origin: germline.
Comment: The RYR1 c.12700G>A variant is predicted to result in the amino acid substitution p.Val4234Met. This variant was reported in the compound heterozygous state an individual with myopathy (Invernizzi et al. 2023. PubMed ID: 37510298). This variant has not been reported in the literature or in a large population database (gnomAD), indicating this variant is rare. At this time, the clinical significance of this variant is uncertain due to the absence of conclusive functional and genetic evidence.

Labcorp Genetics (formerly Invitae), Labcorp
Classification: Likely pathogenic for RYR1-related disorder. Last evaluated: 2023-11-25. Review status: criteria provided, single submitter. Criteria: Invitae Variant Classification Sherloc (09022015). Collection method: clinical testing. Allele origin: germline.
Comment: This sequence change replaces valine, which is neutral and non-polar, with methionine, which is neutral and non-polar, at codon 4234 of the RYR1 protein (p.Val4234Met). This variant is not present in population databases (gnomAD no frequency). This variant has not been reported in the literature in individuals affected with RYR1-related conditions. Advanced modeling of protein sequence and biophysical properties (such as structural, functional, and spatial information, amino acid conservation, physicochemical variation, residue mobility, and thermodynamic stability) performed at Invitae indicates that this missense variant is expected to disrupt RYR1 protein function with a positive predictive value of 95%. This variant disrupts the p.Val4234 amino acid residue in RYR1. Other variant(s) that disrupt this residue have been determined to be pathogenic (PMID: 12208234, 24013571, 30236257). This suggests that this residue is clinically significant, and that variants that disrupt this residue are likely to be disease-causing. In summary, the currently available evidence indicates that the variant is pathogenic, but additional data are needed to prove that conclusively. Therefore, this variant has been classified as Likely Pathogenic.

All of Us Research Program, National Institutes of Health
Classification: Uncertain significance for Malignant hyperthermia, susceptibility to, 1. Last evaluated: 2023-08-15. Review status: criteria provided, single submitter. Criteria: ACMG Guidelines, 2015. Collection method: clinical testing. Allele origin: germline. Inheritance: Autosomal dominant inheritance. Observed: 1 variant allele, 1 heterozygote.
Comment: This missense variant replaces valine with methionine at codon 4234 of the RYR1 protein. Computational prediction suggests that this variant may have deleterious impact on protein structure and function (internally defined REVEL score threshold >= 0.7, PMID: 27666373). To our knowledge, functional studies have not been reported for this variant. This variant has not been reported in individuals affected with RYR1-related disorders in the literature. This variant has not been identified in the general population by the Genome Aggregation Database (gnomAD). Different variants affecting the same codon, c.12700G>T (p.Val4234Lys) and c.12700G>C (p.Val4234Lys), are considered to be pathogenic (ClinVar Variation ID: 1064712, 136788), suggesting that Val at this position is important for the protein function. Due to insufficient variant-specific evidence, this variant is classified as a variant of uncertain significance.

This study involves interpretation of variants in research participants for the purpose of population health screening. Participant phenotype was not available at the time of variant classification. Additional details can be found in publication PMID: 35346344, PMCID: PMC8962531

Literature cited by the submitters: PubMed 12208234 (cited by Labcorp Genetics (formerly Invitae), Labcorp); PubMed 24013571 (cited by Labcorp Genetics (formerly Invitae), Labcorp); PubMed 30236257 (cited by Labcorp Genetics (formerly Invitae), Labcorp).